The following is an entry in ClinVar:

NM_178857.6(RP1L1):c.900G>A (p.Ser300=)

Gene: RP1L1 (RP1 like 1). Cytogenetic location: 8p23.1.
Variant type: single nucleotide variant.
Coding change: c.900G>A on transcript NM_178857.6 (MANE Select); coding-DNA position 900, G replaced by A.
Protein change: p.Ser300=; no amino-acid change (serine 300 retained).
Molecular consequence: synonymous variant.
Genome position (GRCh38, 1-based): chr8:10,613,198, C>T on the plus strand (G>A on the coding strand, the complement: RP1L1 is on the minus strand). VCF-style: chr8-10613198-C-T. GRCh37 (hg19) VCF-style: chr8-10470708-C-T.
Identifiers: ClinVar variation 3043350 (VCV003043350.17), dbSNP rs371770155, ClinGen allele CA4625396.

ClinVar aggregate classification (germline): Likely benign. Review status: criteria provided, multiple submitters, no conflicts (2 of 4 stars). 3 submissions from 3 submitters: Likely benign (2). 1 of the submissions does not count toward it. Last evaluated 2024-11-01.

Conditions:
RP1L1-related disorder. Also called: RP1L1-related condition.

Allele frequency attached by ClinVar (database versions not stated): gnomAD exomes 0.00007; ExAC 0.00013; 1000 Genomes Project 30x 0.00031; gnomAD 0.00031; ESP Exome Variant Server 0.00032; 1000 Genomes Project 0.00040; TOPMed 0.00042.
gnomAD v4.1: 155 of 1,613,582 alleles (0.0096%); highest among the groups gnomAD compares: Middle Eastern, 0.2%; no homozygotes.

Submissions (3):

Blueprint Genetics
Classification: Likely benign. Last evaluated: 2024-11-01. Review status: criteria provided, single submitter. Criteria: ACMG Guidelines, 2015. Collection method: clinical testing. Allele origin: germline.

CeGaT Center for Human Genetics Tuebingen
Classification: Likely benign. Last evaluated: 2024-09-01. Review status: criteria provided, single submitter. Criteria: CeGaT Center For Human Genetics Tuebingen Variant Classification Criteria Version 2. Collection method: clinical testing. Allele origin: germline. Affected: yes. Observed: 1 variant allele.
Comment: RP1L1: BP4, BP7

PreventionGenetics, part of Exact Sciences
Classification: Likely benign for RP1L1-related condition. Last evaluated: 2019-04-16. Review status: no assertion criteria provided. Collection method: clinical testing. Allele origin: germline. Not counted in ClinVar's aggregate classification.
Comment: This variant is classified as likely benign based on ACMG/AMP sequence variant interpretation guidelines (Richards et al. 2015 PMID: 25741868, with internal and published modifications).